The following is an entry in ClinVar:

NM_206933.4(USH2A):c.10586-1_10595delinsTTTACTACTATTA

Gene: USH2A (usherin; minus strand). Cytogenetic location: 1q41.
Variant type: Indel.
Coding change: c.10586-1_10595delinsTTTACTACTATTA on transcript NM_206933.4 (MANE Select); the canonical splice acceptor site of the intron before coding-DNA position 10586 through coding-DNA position 10595, GGTCCTATTAT replaced by TTTACTACTATTA.
Molecular consequence: splice acceptor variant.
Genome position (GRCh38, 1-based): chr1:215,782,187-215,782,197, ATAATAGGACC replaced by TAATAGTAGTAAA on the plus strand (GGTCCTATTAT replaced by TTTACTACTATTA on the coding strand, the reverse complement: USH2A is on the minus strand). VCF-style: chr1-215782187-ATAATAGGACC-TAATAGTAGTAAA. GRCh37 (hg19) VCF-style: chr1-215955529-ATAATAGGACC-TAATAGTAGTAAA.
Other names: c.10586-1_10595delinsTTTACTACTATTA (NM_206933.2).
Identifiers: ClinVar variation 4817071 (VCV004817071.1).
Genomic context (GRCh38, chr1:215,782,187, plus strand): 5'-GAGAAGCTCAGTGATGTTCCCCGAAAACGTTCAATTCCATTTCGAAGAAGGATGTAGTAA[ATAATAGGACC>TAATAGTAGTAAA]TAAAAGAAGCAGAAAAATGACTGCATTTGAATGTGATATCATTTTAACTATTTGCAAACA-3'

ClinVar aggregate classification (germline): Likely pathogenic (1 of 4 stars; one submission).

Conditions:
Usher syndrome type 2A. Also called: RETINAL DISEASE IN USHER SYNDROME TYPE IIA, MODIFIER OF; USHER SYNDROME, TYPE IIA. Identifiers: Orphanet 231178, Orphanet 886, MedGen C1848634, MONDO:0010169, OMIM 276901.

Submission:

Natera, Inc.
Classification: Likely pathogenic for Usher syndrome type 2A. Last evaluated: 2025-07-07. Review status: criteria provided, single submitter. Criteria: Natera Variant Classification Schema (03/2026). Collection method: clinical testing. Allele origin: germline.
Comment: The c.10586-1_10595delinsTTTACTACTATTA variant in USH2A is a canonical splice acceptor site variant predicted to affect pre-mRNA splicing, which may result in an abnormal transcript and altered protein product. This variant is expected to result in nonsense mediated decay, truncation, or a dysfunctional protein product. This variant is rare in the general population with a frequency below the threshold expected for the associated phenotype(s). Given the available evidence, this variant is classified as Likely Pathogenic.